The following is an entry in ClinVar:

ClinVar aggregate classification (germline): Uncertain significance (1 of 4 stars; one submission).

Submission:

Labcorp Genetics (formerly Invitae), Labcorp
Classification: Uncertain significance. Last evaluated: 2024-12-02. Review status: criteria provided, single submitter. Criteria: Invitae Variant Classification Sherloc (09022015). Collection method: clinical testing. Allele origin: germline.
Comment: This sequence change replaces isoleucine, which is neutral and non-polar, with threonine, which is neutral and polar, at codon 123 of the ALDH6A1 protein (p.Ile123Thr). This variant is not present in population databases (gnomAD no frequency). This variant has not been reported in the literature in individuals affected with ALDH6A1-related conditions. ClinVar contains an entry for this variant (Variation ID: 2703788). An algorithm developed to predict the effect of missense changes on protein structure and function (PolyPhen-2) suggests that this variant is likely to be disruptive. In summary, the available evidence is currently insufficient to determine the role of this variant in disease. Therefore, it has been classified as a Variant of Uncertain Significance.

NM_005589.4(ALDH6A1):c.368T>C (p.Ile123Thr)

Genes: ALDH6A1 (aldehyde dehydrogenase 6 family member A1; minus strand), BBOF1 (basal body orientation factor 1; plus strand). Cytogenetic location: 14q24.3.
Variant type: single nucleotide variant.
Coding change: c.368T>C on transcript NM_005589.4 (MANE Select); coding-DNA position 368, T replaced by C.
Protein change: p.Ile123Thr; replaces isoleucine 123 with threonine.
Molecular consequence: missense variant. On other transcripts: 5 prime UTR variant (1).
Genome position (GRCh38, 1-based): chr14:74,071,955, A>G on the plus strand (T>C on the coding strand, the complement: ALDH6A1 is on the minus strand). VCF-style: chr14-74071955-A-G. GRCh37 (hg19) VCF-style: chr14-74538658-A-G.
Other names: c.329T>C, p.Ile110Thr (NM_001278593.2); c.-258T>C (NM_001278594.2); short protein forms I110T, I123T.
Identifiers: ClinVar variation 2703788 (VCV002703788.3), dbSNP rs2504612155, ClinGen allele CA390372707.